The following is an entry in ClinVar:

NM_022552.5(DNMT3A):c.2076G>C (p.Gln692His)

Gene: DNMT3A (DNA methyltransferase 3 alpha; minus strand). Cytogenetic location: 2p23.3.
Variant type: single nucleotide variant.
Coding change: c.2076G>C on transcript NM_022552.5 (MANE Select); coding-DNA position 2076, G replaced by C.
Protein change: p.Gln692His; replaces glutamine 692 with histidine.
Molecular consequence: missense variant. On other transcripts: non-coding transcript variant (1).
Genome position (GRCh38, 1-based): chr2:25,241,568, C>G on the plus strand (G>C on the coding strand, the complement: DNMT3A is on the minus strand). VCF-style: chr2-25241568-C-G. GRCh37 (hg19) VCF-style: chr2-25464437-C-G.
Other names: c.1620G>C, p.Gln540His (NM_001320893.1); c.1407G>C, p.Gln469His (NM_001375819.1); c.1509G>C, p.Gln503His (NM_153759.3); c.2076G>C, p.Gln692His (NM_175629.2); short protein forms Q469H, Q503H, Q540H, Q692H.
Identifiers: ClinVar variation 1723117 (VCV001723117.2), dbSNP rs1233014525, ClinGen allele CA346071157.

ClinVar aggregate classification (germline): Uncertain significance (1 of 4 stars; one submission).

Submission:

GeneDx
Classification: Uncertain significance. Last evaluated: 2022-04-10. Review status: criteria provided, single submitter. Criteria: GeneDx Variant Classification Process June 2021. Collection method: clinical testing. Allele origin: germline. Affected: yes.
Comment: Not observed at significant frequency in large population cohorts (gnomAD); In silico analysis supports that this missense variant does not alter protein structure/function; Has not been previously published as pathogenic or benign to our knowledge